The following is an entry in ClinVar:

NM_000465.4(BARD1):c.975_976del (p.His325fs)

Gene: BARD1 (BRCA1 associated RING domain 1; minus strand). Cytogenetic location: 2q35.
Variant type: Microsatellite.
Coding change: c.975_976del on transcript NM_000465.4 (MANE Select); coding-DNA positions 975 to 976, 2 bases deleted (CA; older notation c.975_976delCA).
Protein change: p.His325fs; shifts the reading frame from histidine 325.
Molecular consequence: frameshift variant. On other transcripts: non-coding transcript variant (2), intron variant (3).
Genome position (GRCh38, 1-based): chr2:214,780,898-214,780,899, TG deleted on the plus strand (CA on the coding strand, the reverse complement: BARD1 is on the minus strand); deleting any 2 consecutive bases within chr2:214,780,898-214,780,901 gives the same sequence; the c. name uses the placement nearest the transcript's 3' end. VCF-style (leftmost placement, unchanged base first): chr2-214780897-TTG-T. GRCh37 (hg19) VCF-style: chr2-215645621-TTG-T.
Other names: c.918_919del, p.His306fs (NM_001282543.2); c.159-28344_159-28343del (NM_001282548.2); c.215+16162_215+16163del (NM_001282545.2); c.364+11398_364+11399del (NM_001282549.2); short protein forms H325fs, H306fs.
Identifiers: ClinVar variation 1768079 (VCV001768079.7), dbSNP rs2469505861, ClinGen allele CA2580616689.

ClinVar aggregate classification (germline): Pathogenic. Review status: criteria provided, multiple submitters, no conflicts (2 of 4 stars). 3 submissions from 3 submitters: Pathogenic (3). Last evaluated 2024-07-17.

Conditions:
Hereditary cancer-predisposing syndrome. Also called: Hereditary Cancer Syndrome; Hereditary neoplastic syndrome; Neoplastic Syndromes, Hereditary; Tumor predisposition. Identifiers: Orphanet 140162, MedGen C0027672, MeSH D009386, MONDO:0015356.
Familial cancer of breast. Also called: BREAST CANCER, FAMILIAL; hereditary breast carcinoma; Hereditary breast cancer. Identifiers: Orphanet 227535, MedGen C0346153, MONDO:0016419, OMIM 114480. Disease mechanism: loss of function.

Submissions (3):

Ambry Genetics
Classification: Pathogenic for Hereditary cancer-predisposing syndrome. Last evaluated: 2024-07-17. Review status: criteria provided, single submitter. Criteria: Ambry Variant Classification Scheme 2023. Collection method: clinical testing. Allele origin: germline.
Comment: The c.975_976delCA pathogenic mutation, located in coding exon 4 of the BARD1 gene, results from a deletion of two nucleotides at nucleotide positions 975 to 976, causing a translational frameshift with a predicted alternate stop codon (p.H325Qfs*2). This variant is considered to be rare based on population cohorts in the Genome Aggregation Database (gnomAD). This alteration is expected to result in loss of function by premature protein truncation or nonsense-mediated mRNA decay. As such, this alteration is interpreted as a disease-causing mutation.

Labcorp Genetics (formerly Invitae), Labcorp
Classification: Pathogenic for Familial cancer of breast. Last evaluated: 2024-05-13. Review status: criteria provided, single submitter. Criteria: Invitae Variant Classification Sherloc (09022015). Collection method: clinical testing. Allele origin: germline.
Comment: This sequence change creates a premature translational stop signal (p.His325Glnfs*2) in the BARD1 gene. It is expected to result in an absent or disrupted protein product. Loss-of-function variants in BARD1 are known to be pathogenic (PMID: 20077502, 21344236). This variant is not present in population databases (gnomAD no frequency). This variant has not been reported in the literature in individuals affected with BARD1-related conditions. For these reasons, this variant has been classified as Pathogenic.

Myriad Genetics, Inc.
Classification: Pathogenic for Familial cancer of breast. Last evaluated: 2023-05-22. Review status: criteria provided, single submitter. Criteria: Myriad Autosomal Dominant, Autosomal Recessive and X-Linked Classification Criteria (2023). Collection method: clinical testing. Allele origin: unknown.
Comment: This variant is considered pathogenic. This variant creates a frameshift predicted to result in premature protein truncation.

Literature cited by the submitters: PubMed 20077502 (cited by Labcorp Genetics (formerly Invitae), Labcorp); PubMed 21344236 (cited by Labcorp Genetics (formerly Invitae), Labcorp).